The following is an entry in ClinVar:

ClinVar aggregate classification (germline): Uncertain significance. Review status: criteria provided, multiple submitters, no conflicts (2 of 4 stars). 3 submissions from 3 submitters: Uncertain significance (3). Last evaluated 2025-08-01.

Allele frequency attached by ClinVar (database versions not stated): TOPMed 0.00005; gnomAD 0.00007 and 0.00008; gnomAD exomes 0.00007 and 0.00011; ExAC 0.00012.
gnomAD v4.1: 125 of 1,613,950 alleles (0.0077%); highest among the groups gnomAD compares: Non-Finnish European, 0.0067%; no homozygotes.

Submissions (3):

Ambry Genetics
Classification: Uncertain significance. Last evaluated: 2025-08-01. Review status: criteria provided, single submitter. Criteria: Ambry Variant Classification Scheme 2023. Collection method: clinical testing. Allele origin: germline.

Blueprint Genetics
Classification: Uncertain significance. Last evaluated: 2024-07-16. Review status: criteria provided, single submitter. Criteria: ACMG Guidelines, 2015. Collection method: clinical testing. Allele origin: germline.

Labcorp Genetics (formerly Invitae), Labcorp
Classification: Uncertain significance. Last evaluated: 2022-10-17. Review status: criteria provided, single submitter. Criteria: Invitae Variant Classification Sherloc (09022015). Collection method: clinical testing. Allele origin: germline.
Comment: This sequence change replaces serine, which is neutral and polar, with glycine, which is neutral and non-polar, at codon 441 of the TUB protein (p.Ser441Gly). This variant is present in population databases (rs746452243, gnomAD 0.03%). This variant has not been reported in the literature in individuals affected with TUB-related conditions. ClinVar contains an entry for this variant (Variation ID: 1425706). Algorithms developed to predict the effect of missense changes on protein structure and function are either unavailable or do not agree on the potential impact of this missense change (SIFT: "Deleterious"; PolyPhen-2: "Possibly Damaging"; Align-GVGD: "Class C0"). In summary, the available evidence is currently insufficient to determine the role of this variant in disease. Therefore, it has been classified as a Variant of Uncertain Significance.

NM_177972.3(TUB):c.1156A>G (p.Ser386Gly)

Genes: RIC3 (RIC3 acetylcholine receptor chaperone; minus strand), TUB (TUB bipartite transcription factor; plus strand). Cytogenetic location: 11p15.4.
Variant type: single nucleotide variant.
Coding change: c.1156A>G on transcript NM_177972.3 (MANE Select); coding-DNA position 1156, A replaced by G.
Protein change: p.Ser386Gly; replaces serine 386 with glycine.
Molecular consequence: missense variant.
Genome position (GRCh38, 1-based): chr11:8,100,542, A>G. VCF-style: chr11-8100542-A-G. GRCh37 (hg19) VCF-style: chr11-8122089-A-G.
Other names: c.1321A>G, p.Ser441Gly (NM_003320.5); c.1321A>G (NM_003320.4); short protein forms S441G, S386G.
Identifiers: ClinVar variation 1425706 (VCV001425706.8), dbSNP rs746452243, ClinGen allele CA5871381.